The following is an entry in ClinVar:

ClinVar aggregate classification (germline): Uncertain significance. Review status: criteria provided, multiple submitters, no conflicts (2 of 4 stars). 6 submissions from 6 submitters: Uncertain significance (6). Last evaluated 2025-01-18.

Conditions:
TMEM43-related disorder. Also called: TMEM43-related condition.
Emery-Dreifuss muscular dystrophy 7, autosomal dominant (EDMD7). Also called: Emery-Dreifuss muscular dystrophy 7, AD. Identifiers: Orphanet 261, MedGen C3553060, MONDO:0013677, OMIM 614302.
Arrhythmogenic right ventricular dysplasia 5. Also called: Arrhythmogenic Right Ventricular Dysplasia/Cardiomyopathy 5; ARRHYTHMOGENIC RIGHT VENTRICULAR DYSPLASIA, FAMILIAL, 5. Identifiers: MedGen C1858379, MONDO:0011459, OMIM 604400.
Auditory neuropathy, autosomal dominant 3 (AUNA3). Identifiers: MedGen C5676964, MONDO:0859235, OMIM 619832.
Cardiovascular phenotype. Identifiers: MedGen CN230736.
Cardiomyopathy (CMYO). Also called: Cardiomyopathies. Identifiers: Orphanet 167848, MedGen C0878544, MONDO:0004994, HP:0001638. Inheritance: Various modes of inheritance.

Submissions (6):

PreventionGenetics, part of Exact Sciences
Classification: Uncertain significance for TMEM43-related condition. Last evaluated: 2025-01-18. Review status: criteria provided, single submitter. Criteria: ACMG Guidelines, 2015. Collection method: clinical testing. Allele origin: germline.
Comment: The TMEM43 c.424G>C variant is predicted to result in the amino acid substitution p.Glu142Gln. To our knowledge, this variant has not been reported in the literature. This variant is reported in 0.00088% of alleles in individuals of European (Non-Finnish) descent in gnomAD. At this time, the clinical significance of this variant is uncertain due to the absence of conclusive functional and genetic evidence.

Fulgent Genetics
Classification: Uncertain significance for Arrhythmogenic right ventricular dysplasia 5; Emery-Dreifuss muscular dystrophy 7, autosomal dominant; Auditory neuropathy, autosomal dominant 3. Last evaluated: 2024-01-06. Review status: criteria provided, single submitter. Criteria: ACMG Guidelines, 2015. Collection method: clinical testing. Allele origin: germline.

Labcorp Genetics (formerly Invitae), Labcorp
Classification: Uncertain significance for Arrhythmogenic right ventricular dysplasia 5. Last evaluated: 2023-11-09. Review status: criteria provided, single submitter. Criteria: Invitae Variant Classification Sherloc (09022015). Collection method: clinical testing. Allele origin: germline.
Comment: This sequence change replaces glutamic acid, which is acidic and polar, with glutamine, which is neutral and polar, at codon 142 of the TMEM43 protein (p.Glu142Gln). This variant is present in population databases (no rsID available, gnomAD 0.0009%). This variant has not been reported in the literature in individuals affected with TMEM43-related conditions. ClinVar contains an entry for this variant (Variation ID: 202133). Advanced modeling of protein sequence and biophysical properties (such as structural, functional, and spatial information, amino acid conservation, physicochemical variation, residue mobility, and thermodynamic stability) performed at Invitae indicates that this missense variant is expected to disrupt TMEM43 protein function with a positive predictive value of 80%. In summary, the available evidence is currently insufficient to determine the role of this variant in disease. Therefore, it has been classified as a Variant of Uncertain Significance.

Color Diagnostics, LLC DBA Color Health
Classification: Uncertain significance for Cardiomyopathy. Last evaluated: 2023-07-12. Review status: criteria provided, single submitter. Criteria: ACMG Guidelines, 2015. Collection method: clinical testing. Allele origin: germline.
Comment: This missense variant replaces glutamic acid with glutamine at codon 142 of the TMEM43 protein. Computational prediction suggests that this variant may not impact protein structure and function (internally defined REVEL score threshold <= 0.5, PMID: 27666373). To our knowledge, functional studies have not been reported for this variant. This variant has not been reported in individuals affected with TMEM43-related disorders in the literature. This variant has been identified in 1/251372 chromosomes in the general population by the Genome Aggregation Database (gnomAD). The available evidence is insufficient to determine the role of this variant in disease conclusively. Therefore, this variant is classified as a Variant of Uncertain Significance.

Ambry Genetics
Classification: Uncertain significance for Cardiovascular phenotype. Last evaluated: 2019-01-28. Review status: criteria provided, single submitter. Criteria: Ambry Variant Classification Scheme 2023. Collection method: clinical testing. Allele origin: germline.
Comment: The p.E142Q variant (also known as c.424G>C), located in coding exon 5 of the TMEM43 gene, results from a G to C substitution at nucleotide position 424. The glutamic acid at codon 142 is replaced by glutamine, an amino acid with highly similar properties. This amino acid position is highly conserved in available vertebrate species. In addition, the in silico prediction for this alteration is inconclusive. Since supporting evidence is limited at this time, the clinical significance of this alteration remains unclear.

GeneDx
Classification: Uncertain significance. Last evaluated: 2018-12-20. Review status: criteria provided, single submitter. Criteria: GeneDx Variant Classification (06012015). Collection method: clinical testing. Allele origin: germline. Affected: yes.
Comment: p.Glu142Gln (GAG>CAG): c.424 G>C in exon 5 of the TMEM43 gene (NM_024334.2). A variant of unknown significance has been identified in the TMEM43 gene. The E142Q variant has not been published as a mutation, nor has it been reported as a benign polymorphism to our knowledge. However, another variant at the same residue, E142K has been reported previously as a variant of unknown significance ( Haywood AFM et al., 2013; Baskin B et al., 2013). Haywood AFM et al. (2013) reported E142K in two unrelated UK patients and one population control sample in the homozygous state. In addition, 1000 Genomes Project identified E142K in 0.8%, 3/359 alleles from individuals of Hispanic ancestry. The E142Q variant was not observed in approximately 6500 individuals of European and African American ancestry in the NHLBI Exome Sequencing Project, nor was it observed in the 1000 Genomes Project, indicating it is not a common benign variant in these populations. The E142Q variant is a semi-conservative amino acid substitution, which may impact secondary protein structure as these residues differ in some properties. This substitution occurs at a position that is conserved across species. However, in silico analysis is inconsistent in its predictions as to whether or not the variant is damaging to the protein structure/function. Mutations in nearby residues have not been reported in association with arrhythmia, indicating this region of the protein may tolerate change. Therefore, based on the currently available information, it is unclear whether this variant is a pathogenic mutation or a rare benign variant. The variant is found in ARRHYTHMIA panel(s).

NM_024334.3(TMEM43):c.424G>C (p.Glu142Gln)

Gene: TMEM43 (transmembrane protein 43; plus strand). Cytogenetic location: 3p25.1.
Variant type: single nucleotide variant.
Coding change: c.424G>C on transcript NM_024334.3 (MANE Select); coding-DNA position 424, G replaced by C.
Protein change: p.Glu142Gln; replaces glutamic acid 142 with glutamine.
Molecular consequence: missense variant.
Genome position (GRCh38, 1-based): chr3:14,132,577, G>C. VCF-style: chr3-14132577-G-C. GRCh37 (hg19) VCF-style: chr3-14174077-G-C.
Other names: p.E142Q:GAG>CAG; short protein forms E142Q.
Identifiers: ClinVar variation 202133 (VCV000202133.12), dbSNP rs145619906, ClinGen allele CA024687.